The following is an entry in ClinVar:

NM_000322.5(PRPH2):c.674dup (p.Tyr225Ter)

Gene: PRPH2 (peripherin 2; minus strand). Cytogenetic location: 6p21.1.
Variant type: Duplication.
Coding change: c.674dup on transcript NM_000322.5 (MANE Select); coding-DNA position 674, one base duplicated (A; older notation c.674dupA).
Protein change: p.Tyr225Ter; replaces tyrosine 225 with a stop codon.
Molecular consequence: nonsense.
Genome position (GRCh38, 1-based): chr6:42,704,519, T duplicated on the plus strand (A on the coding strand, the reverse complement: PRPH2 is on the minus strand). VCF-style (leftmost placement, unchanged base first): chr6-42704518-A-AT. GRCh37 (hg19) VCF-style: chr6-42672256-A-AT.
Other names: short protein forms Y225*.
Identifiers: ClinVar variation 3729677 (VCV003729677.2).

ClinVar aggregate classification (germline): Pathogenic (1 of 4 stars; one submission).

Conditions:
PRPH2-related disorder. Also called: PRPH2-related disorders; PRPH2-related condition. Identifiers: MedGen CN239395.

Submission:

Labcorp Genetics (formerly Invitae), Labcorp
Classification: Pathogenic for PRPH2-related disorder. Last evaluated: 2025-05-05. Review status: criteria provided, single submitter. Criteria: Invitae Variant Classification Sherloc (09022015). Collection method: clinical testing. Allele origin: germline.
Comment: This sequence change creates a premature translational stop signal (p.Tyr225*) in the PRPH2 gene. It is expected to result in an absent or disrupted protein product. Loss-of-function variants in PRPH2 are known to be pathogenic (PMID: 8111389, 8485575, 8485576, 8675410, 16916875, 17504850, 22863181, 25675413, 26061163, 27365499, 29555955, 33546218). This variant is not present in population databases (gnomAD no frequency). This premature translational stop signal has been observed in individual(s) with clinical features of PRPH2-related conditions (PMID: 32531846, 34127626). ClinVar contains an entry for this variant (Variation ID: 3729677). For these reasons, this variant has been classified as Pathogenic.

Literature cited by the submitters: PubMed 8111389; PubMed 8485575; PubMed 8485576; PubMed 8675410; PubMed 16916875; PubMed 17504850; PubMed 22863181; PubMed 25675413; PubMed 26061163; PubMed 27365499; PubMed 29555955; PubMed 33546218; PubMed 32531846; PubMed 34127626.